The following is an entry in ClinVar:

NM_033026.6(PCLO):c.1640C>G (p.Ala547Gly)

Gene: PCLO (piccolo presynaptic cytomatrix protein; minus strand). Cytogenetic location: 7q21.11.
Variant type: single nucleotide variant.
Coding change: c.1640C>G on transcript NM_033026.6 (MANE Select); coding-DNA position 1640, C replaced by G.
Protein change: p.Ala547Gly; replaces alanine 547 with glycine.
Molecular consequence: missense variant.
Genome position (GRCh38, 1-based): chr7:83,155,001, G>C on the plus strand (C>G on the coding strand, the complement: PCLO is on the minus strand). VCF-style: chr7-83155001-G-C. GRCh37 (hg19) VCF-style: chr7-82784317-G-C.
Other names: c.1640C>G, p.Ala547Gly (NM_014510.3); c.1640C>G (NM_033026.5); short protein forms A547G.
Identifiers: ClinVar variation 1385938 (VCV001385938.6), dbSNP rs367732224, ClinGen allele CA4321403.

ClinVar aggregate classification (germline): Uncertain significance. Review status: criteria provided, multiple submitters, no conflicts (2 of 4 stars). 2 submissions from 2 submitters: Uncertain significance (2). Last evaluated 2022-04-07.

Conditions:
Inborn genetic diseases. Identifiers: MedGen C0950123, MeSH D030342.

Allele frequency attached by ClinVar (database versions not stated): ExAC 0.00001; gnomAD 0.00001 and 0.00003; gnomAD exomes 0.00001; ESP Exome Variant Server 0.00008; TOPMed 0.00010.
gnomAD v4.1: 25 of 1,613,898 alleles (0.0015%); highest among the groups gnomAD compares: African/African-American, 0.028%; no homozygotes.

Submissions (2):

Ambry Genetics
Classification: Uncertain significance for Inborn genetic diseases. Last evaluated: 2022-04-07. Review status: criteria provided, single submitter. Criteria: Ambry Variant Classification Scheme 2023. Collection method: clinical testing. Allele origin: germline.

Labcorp Genetics (formerly Invitae), Labcorp
Classification: Uncertain significance. Last evaluated: 2021-12-27. Review status: criteria provided, single submitter. Criteria: Invitae Variant Classification Sherloc (09022015). Collection method: clinical testing. Allele origin: germline.
Comment: This sequence change replaces alanine, which is neutral and non-polar, with glycine, which is neutral and non-polar, at codon 547 of the PCLO protein (p.Ala547Gly). This variant is present in population databases (rs367732224, gnomAD 0.01%). This variant has not been reported in the literature in individuals affected with PCLO-related conditions. Algorithms developed to predict the effect of missense changes on protein structure and function output the following: SIFT: "Tolerated"; PolyPhen-2: "Possibly Damaging"; Align-GVGD: "Class C0". The glycine amino acid residue is found in multiple mammalian species, which suggests that this missense change does not adversely affect protein function. In summary, the available evidence is currently insufficient to determine the role of this variant in disease. Therefore, it has been classified as a Variant of Uncertain Significance.